The following is an entry in ClinVar:

ClinVar aggregate classification (germline): Benign/Likely benign. Review status: criteria provided, multiple submitters, no conflicts (2 of 4 stars). 5 submissions from 5 submitters: Benign (4); Likely benign (1). Last evaluated 2026-07-01.

Conditions:
Inborn genetic diseases. Identifiers: MedGen C0950123, MeSH D030342.

Allele frequency attached by ClinVar (database versions not stated): gnomAD exomes 0.00059 and 0.00143; ExAC 0.00346; gnomAD 0.00416 and 0.00450; ESP Exome Variant Server 0.00421; TOPMed 0.00464; 1000 Genomes Project 0.00479; 1000 Genomes Project 30x 0.00500.

Submissions (5):

CeGaT Center for Human Genetics Tuebingen
Classification: Benign. Last evaluated: 2026-07-01. Review status: criteria provided, single submitter. Criteria: CeGaT Center For Human Genetics Tuebingen Variant Classification Criteria Version 2. Collection method: clinical testing. Allele origin: germline. Affected: yes. Observed: 4 variant alleles.
Comment: SHANK3: BP4, BP7, BS1, BS2

Blueprint Genetics
Classification: Likely benign. Last evaluated: 2024-11-27. Review status: criteria provided, single submitter. Criteria: ACMG Guidelines, 2015. Collection method: clinical testing. Allele origin: germline.

GeneDx
Classification: Benign. Last evaluated: 2020-10-02. Review status: criteria provided, single submitter. Criteria: GeneDx Variant Classification Process June 2021. Collection method: clinical testing. Allele origin: germline. Affected: yes.

Ambry Genetics
Classification: Benign for Inborn genetic diseases. Last evaluated: 2016-08-17. Review status: criteria provided, single submitter. Criteria: Ambry Variant Classification Scheme 2023. Collection method: clinical testing. Allele origin: germline.

Breakthrough Genomics
Classification: Benign. Review status: criteria provided, single submitter. Criteria: ACMG Guidelines, 2015. Collection method: not provided. Allele origin: germline. Inheritance: Autosomal dominant inheritance. Affected: yes.

NM_001372044.2(SHANK3):c.1299G>A (p.Leu433=)

Gene: SHANK3 (SH3 and multiple ankyrin repeat domains 3; plus strand). Cytogenetic location: 22q13.33.
Variant type: single nucleotide variant.
Coding change: c.1299G>A on transcript NM_001372044.2 (MANE Select); coding-DNA position 1299, G replaced by A.
Protein change: p.Leu433=; no amino-acid change (leucine 433 retained).
Molecular consequence: synonymous variant.
Genome position (GRCh38, 1-based): chr22:50,694,818, G>A. VCF-style: chr22-50694818-G-A. GRCh37 (hg19) VCF-style: chr22-51133246-G-A.
Other names: c.1074G>A, p.Leu358= (NM_033517.1).
Identifiers: ClinVar variation 588022 (VCV000588022.32), dbSNP rs193191459, ClinGen allele CA10325473.